The following is an entry in ClinVar:

NM_001042492.3(NF1):c.4575C>A (p.Asn1525Lys)

Gene: NF1 (neurofibromin 1; plus strand). Cytogenetic location: 17q11.2.
Variant type: single nucleotide variant.
Coding change: c.4575C>A on transcript NM_001042492.3 (MANE Select); coding-DNA position 4575, C replaced by A.
Protein change: p.Asn1525Lys; replaces asparagine 1525 with lysine.
Molecular consequence: missense variant.
Genome position (GRCh38, 1-based): chr17:31,260,513, C>A. VCF-style: chr17-31260513-C-A. GRCh37 (hg19) VCF-style: chr17-29587531-C-A.
Other names: c.4512C>A, p.Asn1504Lys (NM_000267.4); short protein forms N1525K, N1504K.
Identifiers: ClinVar variation 1741135 (VCV001741135.2), dbSNP rs2151464873, ClinGen allele CA398999976.

ClinVar aggregate classification (germline): Uncertain significance (1 of 4 stars; one submission).

Conditions:
Cardiovascular phenotype. Identifiers: MedGen CN230736.
Hereditary cancer-predisposing syndrome. Also called: Hereditary Cancer Syndrome; Hereditary neoplastic syndrome; Neoplastic Syndromes, Hereditary; Tumor predisposition. Identifiers: Orphanet 140162, MedGen C0027672, MeSH D009386, MONDO:0015356.

Submission:

Ambry Genetics
Classification: Uncertain significance for Cardiovascular phenotype; Hereditary cancer-predisposing syndrome. Last evaluated: 2021-08-25. Review status: criteria provided, single submitter. Criteria: Ambry Variant Classification Scheme 2023. Collection method: clinical testing. Allele origin: germline.
Comment: The p.N1504K variant (also known as c.4512C>A), located in coding exon 33 of the NF1 gene, results from a C to A substitution at nucleotide position 4512. The asparagine at codon 1504 is replaced by lysine, an amino acid with similar properties. This amino acid position is highly conserved in available vertebrate species. In addition, this alteration is predicted to be tolerated by in silico analysis. Since supporting evidence is limited at this time, the clinical significance of this alteration remains unclear.